The following is an entry in ClinVar:

NM_017780.4(CHD7):c.5778G>A (p.Arg1926=)

Gene: CHD7 (chromodomain helicase DNA binding protein 7; plus strand). Cytogenetic location: 8q12.2.
Variant type: single nucleotide variant.
Coding change: c.5778G>A on transcript NM_017780.4 (MANE Select); coding-DNA position 5778, G replaced by A.
Protein change: p.Arg1926=; no amino-acid change (arginine 1926 retained).
Molecular consequence: synonymous variant. On other transcripts: intron variant (1).
Genome position (GRCh38, 1-based): chr8:60,852,131, G>A. VCF-style: chr8-60852131-G-A. GRCh37 (hg19) VCF-style: chr8-61764690-G-A.
Other names: c.1717-10098G>A (NM_001316690.1); c.5778G>A (NM_017780.3).
Identifiers: ClinVar variation 2039146 (VCV002039146.15), dbSNP rs1805480205, ClinGen allele CA460850113.

ClinVar aggregate classification (germline): Likely benign. Review status: criteria provided, multiple submitters, no conflicts (2 of 4 stars). 3 submissions from 3 submitters: Likely benign (2). 1 of the submissions does not count toward it. Last evaluated 2025-10-27.

Conditions:
CHD7-related disorder. Also called: CHD7-related condition.
CHARGE syndrome (CHARGE). Also called: Hittner Hirsch Kreh syndrome; CHARGE ASSOCIATION--COLOBOMA, HEART ANOMALY, CHOANAL ATRESIA, RETARDATION, GENITAL AND EAR ANOMALIES; Coloboma, heart anomaly, choanal atresia, retardation, genital and ear anomalies; CHARGE association; Hall-Hittner syndrome. Identifiers: Orphanet 138, MedGen C0265354, MONDO:0008965.

Allele frequency attached by ClinVar (database versions not stated): gnomAD exomes 0.00001; gnomAD 0.00002; TOPMed 0.00008.
gnomAD v4.1: 17 of 1,613,876 alleles (0.0011%); highest among the groups gnomAD compares: Middle Eastern, 0.016%; no homozygotes.

Submissions (3):

Labcorp Genetics (formerly Invitae), Labcorp
Classification: Likely benign for CHARGE syndrome. Last evaluated: 2025-10-27. Review status: criteria provided, single submitter. Criteria: Invitae Variant Classification Sherloc (09022015). Collection method: clinical testing. Allele origin: germline.

CeGaT Center for Human Genetics Tuebingen
Classification: Likely benign. Last evaluated: 2025-05-01. Review status: criteria provided, single submitter. Criteria: CeGaT Center For Human Genetics Tuebingen Variant Classification Criteria Version 2. Collection method: clinical testing. Allele origin: germline. Affected: yes. Observed: 1 variant allele.
Comment: CHD7: BP4

PreventionGenetics, part of Exact Sciences
Classification: Likely benign for CHD7-related condition. Last evaluated: 2024-03-14. Review status: no assertion criteria provided. Collection method: clinical testing. Allele origin: germline. Not counted in ClinVar's aggregate classification.
Comment: This variant is classified as likely benign based on ACMG/AMP sequence variant interpretation guidelines (Richards et al. 2015 PMID: 25741868, with internal and published modifications).